The following is an entry in ClinVar:

ClinVar aggregate classification (germline): Uncertain significance. Review status: criteria provided, multiple submitters, no conflicts (2 of 4 stars). 2 submissions from 2 submitters: Uncertain significance (2). Last evaluated 2024-05-11.

Conditions:
Hypertrophic cardiomyopathy. Also called: HYPERTROPHIC MYOCARDIOPATHY. Identifiers: Orphanet 217569, MedGen C0007194, MeSH D002312, MONDO:0005045, HP:0001639.

gnomAD v4.1: 1 of 1,612,142 alleles (0.000062%); highest among the groups gnomAD compares: Non-Finnish European, 0.000085%; no homozygotes.

Submissions (2):

Ambry Genetics
Classification: Uncertain significance. Last evaluated: 2024-05-11. Review status: criteria provided, single submitter. Criteria: Ambry Variant Classification Scheme 2023. Collection method: clinical testing. Allele origin: germline.
Comment: The p.R1396K variant (also known as c.4187G>A), located in coding exon 29 of the MYOM1 gene, results from a G to A substitution at nucleotide position 4187. The arginine at codon 1396 is replaced by lysine, an amino acid with highly similar properties. This amino acid position is conserved. In addition, this alteration is predicted to be tolerated by in silico analysis. Based on the available evidence, the clinical significance of this variant remains unclear.

Labcorp Genetics (formerly Invitae), Labcorp
Classification: Uncertain significance for Hypertrophic cardiomyopathy. Last evaluated: 2024-04-07. Review status: criteria provided, single submitter. Criteria: Invitae Variant Classification Sherloc (09022015). Collection method: clinical testing. Allele origin: germline.
Comment: This sequence change replaces arginine, which is basic and polar, with lysine, which is basic and polar, at codon 1396 of the MYOM1 protein (p.Arg1396Lys). This variant is not present in population databases (gnomAD no frequency). This variant has not been reported in the literature in individuals affected with MYOM1-related conditions. Advanced modeling of protein sequence and biophysical properties (such as structural, functional, and spatial information, amino acid conservation, physicochemical variation, residue mobility, and thermodynamic stability) performed at Invitae indicates that this missense variant is expected to disrupt MYOM1 protein function with a positive predictive value of 80%. In summary, the available evidence is currently insufficient to determine the role of this variant in disease. Therefore, it has been classified as a Variant of Uncertain Significance.

NM_003803.4(MYOM1):c.4187G>A (p.Arg1396Lys)

Gene: MYOM1 (myomesin 1; minus strand). Cytogenetic location: 18p11.31.
Variant type: single nucleotide variant.
Coding change: c.4187G>A on transcript NM_003803.4 (MANE Select); coding-DNA position 4187, G replaced by A.
Protein change: p.Arg1396Lys; replaces arginine 1396 with lysine.
Molecular consequence: missense variant.
Genome position (GRCh38, 1-based): chr18:3,086,102, C>T on the plus strand (G>A on the coding strand, the complement: MYOM1 is on the minus strand). VCF-style: chr18-3086102-C-T. GRCh37 (hg19) VCF-style: chr18-3086100-C-T.
Other names: c.3899G>A, p.Arg1300Lys (NM_019856.2); short protein forms R1300K, R1396K.
Identifiers: ClinVar variation 3298034 (VCV003298034.3).